The following is an entry in ClinVar:

NM_019842.4(KCNQ5):c.767G>C (p.Gly256Ala)

Gene: KCNQ5 (potassium voltage-gated channel subfamily Q member 5; plus strand). Cytogenetic location: 6q13.
Variant type: single nucleotide variant.
Coding change: c.767G>C on transcript NM_019842.4 (MANE Select); coding-DNA position 767, G replaced by C.
Protein change: p.Gly256Ala; replaces glycine 256 with alanine.
Molecular consequence: missense variant.
Genome position (GRCh38, 1-based): chr6:73,077,472, G>C. VCF-style: chr6-73077472-G-C. GRCh37 (hg19) VCF-style: chr6-73787195-G-C.
Other names: c.767G>C, p.Gly256Ala (NM_001160130.2, NM_001160132.2, NM_001160133.2 and 1 more transcripts); short protein forms G256A.
Identifiers: ClinVar variation 1253854 (VCV001253854.2), dbSNP rs1562164528, ClinGen allele CA364826420.

ClinVar aggregate classification (germline): Uncertain significance (1 of 4 stars; one submission).

Allele frequency attached by ClinVar (database versions not stated): gnomAD exomes below 0.00001.

Submission:

GeneDx
Classification: Uncertain significance. Last evaluated: 2021-09-09. Review status: criteria provided, single submitter. Criteria: GeneDx Variant Classification Process June 2021. Collection method: clinical testing. Allele origin: germline. Affected: yes.
Comment: In silico analysis, which includes protein predictors and evolutionary conservation, supports a deleterious effect; Has not been previously published as pathogenic or benign to our knowledge; This variant is associated with the following publications: (PMID: 27535533)